The following is an entry in ClinVar:

NM_170784.3(MKKS):c.110A>G (p.Tyr37Cys)

Gene: MKKS (MKKS centrosomal shuttling protein; minus strand). Cytogenetic location: 20p12.2.
Variant type: single nucleotide variant.
Coding change: c.110A>G on transcript NM_170784.3 (MANE Select); coding-DNA position 110, A replaced by G.
Protein change: p.Tyr37Cys; replaces tyrosine 37 with cysteine.
Molecular consequence: missense variant.
Genome position (GRCh38, 1-based): chr20:10,413,405, T>C on the plus strand (A>G on the coding strand, the complement: MKKS is on the minus strand). VCF-style: chr20-10413405-T-C. GRCh37 (hg19) VCF-style: chr20-10394053-T-C.
Other names: c.110A>G, p.Tyr37Cys (NM_018848.3); short protein forms Y37C.
Identifiers: ClinVar variation 5309 (VCV000005309.46), dbSNP rs74315396, ClinGen allele CA170910.

ClinVar aggregate classification (germline): Pathogenic/Likely pathogenic. Review status: criteria provided, multiple submitters, no conflicts (2 of 4 stars). 23 submissions from 22 submitters: Pathogenic (14); Likely pathogenic (2). 7 of the submissions do not count toward it. Last evaluated 2026-05-21.

Conditions:
MKKS-related ciliopathy. Identifiers: MedGen CN378636, MONDO:1040050.
MKKS-related disorder. Also called: MKKS-related disorders; MKKS-related condition.
Syndromic inherited retinal disease.
Inborn genetic diseases. Identifiers: MedGen C0950123, MeSH D030342.
Bardet-Biedl syndrome 6 (BBS6). Identifiers: Orphanet 110, MedGen C1858054, MONDO:0011523, OMIM 605231.
McKusick-Kaufman syndrome (MKKS). Also called: HYDROMETROCOLPOS SYNDROME; HYDROMETROCOLPOS, POSTAXIAL POLYDACTYLY, AND CONGENITAL HEART MALFORMATION. Identifiers: Orphanet 2473, MedGen C0948368, MONDO:0009367, OMIM 236700.
Nephronophthisis. Also called: Juvenile Nephronophthisis. Identifiers: Orphanet 655, MedGen C0687120, MONDO:0019005, HP:0000090.
Bardet-Biedl syndrome (BBS). Identifiers: Orphanet 110, MedGen C0752166, MONDO:0015229.

Allele frequency attached by ClinVar (database versions not stated): ExAC 0.00006; gnomAD 0.00011; gnomAD exomes 0.00017 and 0.00007; TOPMed 0.00007.

Submissions 1 to 14 of 23:

PreventionGenetics, part of Exact Sciences
Classification: Pathogenic for MKKS-related condition. Last evaluated: 2026-05-21. Review status: criteria provided, single submitter. Criteria: ACMG Guidelines, 2015. Collection method: clinical testing. Allele origin: germline.
Comment: The MKKS c.110A>G variant is predicted to result in the amino acid substitution p.Tyr37Cys. This variant has been reported to be causative for Bardet-Biedl syndrome and McKusick-Kaufman syndrome (Katsanis et al. 2001. PubMed ID: 11567139; Stone et al. 2000. PubMed ID: 10802661; Muller et al. 2010. PubMed ID: 20177705; Zaghloul et al. 2010. PubMed ID: 20498079; Scheidecker et al. 2015. PubMed ID: 25982971). This variant is reported in 0.014% of alleles in individuals of European (Non-Finnish) descent in gnomAD. This variant is interpreted as pathogenic.

Labcorp Genetics (formerly Invitae), Labcorp
Classification: Pathogenic for McKusick-Kaufman syndrome; Bardet-Biedl syndrome. Last evaluated: 2025-12-02. Review status: criteria provided, single submitter. Criteria: Invitae Variant Classification Sherloc (09022015). Collection method: clinical testing. Allele origin: germline.
Comment: This sequence change replaces tyrosine, which is neutral and polar, with cysteine, which is neutral and slightly polar, at codon 37 of the MKKS protein (p.Tyr37Cys). This variant is present in population databases (rs74315396, gnomAD 0.01%). This missense change has been observed in individual(s) with Bardet-Biedl syndrome (PMID: 10802661). In at least one individual the data is consistent with being in trans (on the opposite chromosome) from a pathogenic variant. ClinVar contains an entry for this variant (Variation ID: 5309). Invitae Evidence Modeling of protein sequence and biophysical properties (such as structural, functional, and spatial information, amino acid conservation, physicochemical variation, residue mobility, and thermodynamic stability) indicates that this missense variant is expected to disrupt MKKS protein function with a positive predictive value of 95%. Experimental studies have shown that this missense change affects MKKS function (PMID: 18094050, 20498079). For these reasons, this variant has been classified as Pathogenic.

GeneDx
Classification: Likely pathogenic. Last evaluated: 2025-09-05. Review status: criteria provided, single submitter. Criteria: GeneDx Variant Classification Process June 2021. Collection method: clinical testing. Allele origin: germline.
Comment: Identified in patients with MKKS-related ciliopathy referred for genetic testing at GeneDx and in published literature (PMID: 35886001, 10973251, 20177705, 25982971, 10802661); Published functional studies demonstrate a damaging effect (PMID: 18094050, 20498079); In silico analysis supports that this missense variant has a deleterious effect on protein structure/function; This variant is associated with the following publications: (PMID: 10802661, 18094050, 22446187, 20177705, 25982971, 11673413, 21044901, 12107442, 34426522, 34929400, 20498079, 35112343, 10973251, 31964843, 35886001, 37734845, 39092430)

Victorian Clinical Genetics Services, Murdoch Childrens Research Institute
Classification: Pathogenic for MKKS-related ciliopathy. Last evaluated: 2024-11-28. Review status: criteria provided, single submitter. Criteria: ACMG Guidelines, 2015. Collection method: clinical testing. Allele origin: germline. Affected: yes.
Comment: This variant is classified as Pathogenic. Evidence in support of pathogenic classification: Variant is present in gnomAD <0.01 for a recessive condition (v4: 265 heterozygote(s), 0 homozygote(s)); This variant has very strong previous evidence of pathogenicity in unrelated individuals. This variant has been classified as pathogenic by clinical laboratories in ClinVar; Missense variant consistently predicted to be damaging by in silico tool or highly conserved with a major amino acid change; Very strong and specific phenotype match for this individual. Additional information: Variant is predicted to result in a missense amino acid change from tyrosine to cysteine; This variant is heterozygous; This gene is associated with autosomal recessive disease; Loss of function is a known mechanism of disease in this gene and is associated with MKKS-related ciliopathy (MONDO:1040050).

Lab De Baere, Eye and Developmental Genetics Lab, Ghent University
Classification: Likely pathogenic for Syndromic inherited retinal disease. Last evaluated: 2024-10-01. Review status: criteria provided, single submitter. Criteria: ACMG Guidelines, 2015. Collection method: research. Allele origin: inherited. Affected: yes. Observed: 1 variant allele.
Comment: ACMG/AMP guidelines: PM2, PS3, PM3_2

Blueprint Genetics
Classification: Pathogenic for MKKS-related disorders. Last evaluated: 2024-07-26. Review status: criteria provided, single submitter. Criteria: ACMG Guidelines, 2015. Collection method: clinical testing. Allele origin: germline. Affected: yes. Observed: 5 variant alleles.

Fulgent Genetics
Classification: Pathogenic for McKusick-Kaufman syndrome; Bardet-Biedl syndrome 6. Last evaluated: 2024-06-17. Review status: criteria provided, single submitter. Criteria: ACMG Guidelines, 2015. Collection method: clinical testing. Allele origin: germline.

Baylor Genetics
Classification: Pathogenic for Bardet-Biedl syndrome 6. Last evaluated: 2024-02-23. Review status: criteria provided, single submitter. Criteria: ACMG Guidelines, 2015. Collection method: clinical testing. Allele origin: unknown.

Clinical Genetics Laboratory, Skane University Hospital Lund
Classification: Pathogenic. Last evaluated: 2023-07-04. Review status: criteria provided, single submitter. Criteria: ACMG Guidelines, 2015. Collection method: clinical testing. Allele origin: germline. Affected: yes.

3billion
Classification: Pathogenic for Bardet-Biedl syndrome 6. Last evaluated: 2023-06-21. Review status: criteria provided, single submitter. Criteria: ACMG Guidelines, 2015. Collection method: clinical testing. Allele origin: germline. Affected: yes.
Comment: The variant is observed at an extremely low frequency in the gnomAD v2.1.1 dataset (total allele frequency: 0.007%). Predicted Consequence/Location: Protein truncation variants are a common disease-causing mechanism. Functional studies provide strong evidence of the variant having a damaging effect on the gene or gene product (PMID: 18094050). In silico tool predictions suggest damaging effect of the variant on gene or gene product (REVEL: 0.87; 3Cnet: 0.24). Same nucleotide change resulting in same amino acid change has been previously reported as pathogenic/likely pathogenic with strong evidence (ClinVar ID: VCV000005309 /PMID: 10802661 /3billion dataset). The variant has been reported to be in trans with a pathogenic variant as either compound heterozygous or homozygous in at least one similarly affected unrelated individual (PMID: 10973251). Therefore, this variant is classified as Pathogenic according to the recommendation of ACMG/AMP guideline.

MGZ Medical Genetics Center
Classification: Pathogenic for Bardet-Biedl syndrome 6. Last evaluated: 2022-06-13. Review status: criteria provided, single submitter. Criteria: ACMG Guidelines, 2015. Collection method: clinical testing. Allele origin: germline. Affected: yes. Observed: 1 variant allele.
Comment: ACMG criteria applied: PS3, PS4_MOD, PM3, PM2_SUP, PP3

Women's Health and Genetics/Laboratory Corporation of America, LabCorp
Classification: Pathogenic for Bardet-Biedl syndrome. Last evaluated: 2022-03-29. Review status: criteria provided, single submitter. Criteria: LabCorp Variant Classification Summary - May 2015. Collection method: clinical testing. Allele origin: germline.
Comment: Variant summary: MKKS c.110A>G (p.Tyr37Cys) results in a non-conservative amino acid change in the encoded protein sequence. Five of five in-silico tools predict a damaging effect of the variant on protein function. The variant allele was found at a frequency of 6.8e-05 in 251046 control chromosomes (gnomAD). This frequency is not higher than expected for a pathogenic variant in MKKS causing Bardet-Biedl Syndrome (6.8e-05 vs 0.00076), allowing no conclusion about variant significance. c.110A>G has been reported in the literature in multiple individuals affected with Bardet-Biedl Syndrome (e.g. Katsanis_2000, Feuillan_2011, Zaghloul_2010) and McKusick-Kaufman syndrom (e.g. Stone_2000), including homozygotes. These data indicate that the variant is very likely to be associated with disease. At least two functional studies report experimental evidence evaluating an impact on protein function and this variant results in protein rapid degradation, increased insolubility of MKKS protein and forming partially immobilized structures at the centrosome (Hirayama_2008, Zaghloul_2010). Eight ClinVar submitters have assessed the variant since 2014: all eight classified the variant as pathogenic. Based on the evidence outlined above, the variant was classified as pathogenic.

Institute of Medical Genetics and Applied Genomics, University Hospital Tübingen
Classification: Pathogenic. Last evaluated: 2020-10-23. Review status: criteria provided, single submitter. Criteria: ACMG Guidelines, 2015. Collection method: clinical testing. Allele origin: germline. Inheritance: Autosomal recessive inheritance. Affected: yes.

Ambry Genetics
Classification: Pathogenic for Inborn genetic diseases. Last evaluated: 2017-11-27. Review status: criteria provided, single submitter. Criteria: Ambry exome assertion method (8-5-2015). Collection method: clinical testing. Allele origin: germline. Affected: yes. Observed: 1 variant allele.